The following is an entry in ClinVar:

ClinVar aggregate classification (germline): Pathogenic. Review status: no assertion criteria provided (0 of 4 stars). 2 submissions from 2 submitters: Pathogenic (2). Last evaluated 2020-02-28.

Conditions:
Fanconi anemia complementation group B (FANCB). Also called: FANCB-Related Fanconi Anemia; FANCONI PANCYTOPENIA, TYPE 2. Identifiers: Orphanet 84, MedGen C1845292, MONDO:0010351, OMIM 300514.

Submissions (2):

Leiden Open Variation Database
Classification: Pathogenic for Fanconi anemia complementation group B. Last evaluated: 2020-02-28. Review status: no assertion criteria provided. Collection method: curation. Allele origin: germline. Affected: yes.
Comment: Curator: Arleen D. Auerbach. Submitter to LOVD: Arleen D. Auerbach.

OMIM
Classification: Pathogenic for FANCONI ANEMIA, COMPLEMENTATION GROUP B. Last evaluated: 2006-09-01. Review status: no assertion criteria provided. Collection method: literature only. Allele origin: germline.

Literature cited by the submitters: PubMed 16679491 (cited by Leiden Open Variation Database and OMIM).

NM_001018113.3(FANCB):c.1496+5G>A

Gene: FANCB (FA complementation group B; minus strand). Cytogenetic location: Xp22.2.
Variant type: single nucleotide variant.
Coding change: c.1496+5G>A on transcript NM_001018113.3 (MANE Select); 5 bases into the intron after coding-DNA position 1496, G replaced by A.
Molecular consequence: intron variant.
Genome position (GRCh38, 1-based): chrX:14,850,500, C>T on the plus strand (G>A on the coding strand, the complement: FANCB is on the minus strand). VCF-style: chrX-14850500-C-T. GRCh37 (hg19) VCF-style: chrX-14868622-C-T.
Other names: IVS7DS, G-A, +5; c.1496+5G>A (NM_001324162.2, NM_152633.4).
Identifiers: ClinVar variation 10870 (VCV000010870.3), dbSNP rs1569085810, ClinGen allele CA913191136.